The following is an entry in ClinVar:

NM_001128228.3(TPRN):c.140G>A (p.Arg47Gln)

Genes: TPRN (taperin; minus strand), LOC130003093 (ATAC-STARR-seq lymphoblastoid silent region 20590; plus strand). Cytogenetic location: 9q34.3.
Variant type: single nucleotide variant.
Coding change: c.140G>A on transcript NM_001128228.3 (MANE Select); coding-DNA position 140, G replaced by A.
Protein change: p.Arg47Gln; replaces arginine 47 with glutamine.
Molecular consequence: missense variant.
Genome position (GRCh38, 1-based): chr9:137,200,572, C>T on the plus strand (G>A on the coding strand, the complement: TPRN is on the minus strand). VCF-style: chr9-137200572-C-T. GRCh37 (hg19) VCF-style: chr9-140095024-C-T.
Other names: short protein forms R47Q.
Identifiers: ClinVar variation 3767697 (VCV003767697.2).

ClinVar aggregate classification (germline): Uncertain significance (1 of 4 stars; one submission).

Submission:

GeneDx
Classification: Uncertain significance. Last evaluated: 2026-05-27. Review status: criteria provided, single submitter. Criteria: GeneDx Variant Classification Process June 2021. Collection method: clinical testing. Allele origin: germline.
Comment: Not observed at significant frequency in large population cohorts (gnomAD); In silico analysis suggests that this missense variant does not alter protein structure/function; Has not been previously published as pathogenic or benign to our knowledge